The following is an entry in ClinVar:

NM_006922.4(SCN3A):c.4175G>A (p.Arg1392Gln)

Gene: SCN3A (sodium voltage-gated channel alpha subunit 3; minus strand). Cytogenetic location: 2q24.3.
Variant type: single nucleotide variant.
Coding change: c.4175G>A on transcript NM_006922.4 (MANE Select); coding-DNA position 4175, G replaced by A.
Protein change: p.Arg1392Gln; replaces arginine 1392 with glutamine.
Molecular consequence: missense variant.
Genome position (GRCh38, 1-based): chr2:165,097,316, C>T on the plus strand (G>A on the coding strand, the complement: SCN3A is on the minus strand). VCF-style: chr2-165097316-C-T. GRCh37 (hg19) VCF-style: chr2-165953826-C-T.
Other names: c.4028G>A, p.Arg1343Gln (NM_001081676.2, NM_001081677.2); short protein forms R1343Q, R1392Q.
Identifiers: ClinVar variation 1046339 (VCV001046339.6), dbSNP rs770870751, ClinGen allele CA1938637.
Genomic context (GRCh38, chr2:165,097,316, plus strand): 5'-TGAAGCAGTGCAAGATAGCCAGCGCCAACATTATCAAAGTTTACTTTCACGTTTTTCCAC[C>T]GAGCTTGCTTGCCAAGAGCCTGACAGTCACTCAAATTGTTAACATCACTAATGTCAAACA-3'
Protein context (NP_008853.3, residues 1382-1402): SDCQALGKQA[Arg1392Gln]WKNVKVNFDN

ClinVar aggregate classification (germline): Uncertain significance (1 of 4 stars; one submission).

Allele frequency attached by ClinVar (database versions not stated): gnomAD exomes 0.00001 and 0.00003; ExAC 0.00002; TOPMed 0.00002; gnomAD 0.00003 and 0.00004.
gnomAD v4.1: 25 of 1,613,880 alleles (0.0015%); highest among the groups gnomAD compares: African/African-American, 0.008%; no homozygotes.

Submission:

Labcorp Genetics (formerly Invitae), Labcorp
Classification: Uncertain significance. Last evaluated: 2025-07-15. Review status: criteria provided, single submitter. Criteria: Invitae Variant Classification Sherloc (09022015). Collection method: clinical testing. Allele origin: germline.
Comment: This sequence change replaces arginine, which is basic and polar, with glutamine, which is neutral and polar, at codon 1392 of the SCN3A protein (p.Arg1392Gln). This variant is present in population databases (rs770870751, gnomAD 0.01%). This variant has not been reported in the literature in individuals affected with SCN3A-related conditions. ClinVar contains an entry for this variant (Variation ID: 1046339). Invitae Evidence Modeling of protein sequence and biophysical properties (such as structural, functional, and spatial information, amino acid conservation, physicochemical variation, residue mobility, and thermodynamic stability) has been performed for this missense variant. However, the output from this modeling did not meet the statistical confidence thresholds required to predict the impact of this variant on SCN3A protein function. In summary, the available evidence is currently insufficient to determine the role of this variant in disease. Therefore, it has been classified as a Variant of Uncertain Significance.